The following is an entry in ClinVar:

NM_000199.5(SGSH):c.398C>T (p.Pro133Leu)

Gene: SGSH (N-sulfoglucosamine sulfohydrolase; minus strand). Cytogenetic location: 17q25.3.
Variant type: single nucleotide variant.
Coding change: c.398C>T on transcript NM_000199.5 (MANE Select); coding-DNA position 398, C replaced by T.
Protein change: p.Pro133Leu; replaces proline 133 with leucine.
Molecular consequence: missense variant. On other transcripts: non-coding transcript variant (1).
Genome position (GRCh38, 1-based): chr17:80,214,723, G>A on the plus strand (C>T on the coding strand, the complement: SGSH is on the minus strand). VCF-style: chr17-80214723-G-A. GRCh37 (hg19) VCF-style: chr17-78188522-G-A.
Other names: c.398C>T, p.Pro133Leu (NM_001352921.3, NM_001352922.2); c.398C>T (NM_000199.3); short protein forms P133L.
Identifiers: ClinVar variation 1515985 (VCV001515985.6), dbSNP rs781743238, ClinGen allele CA8818029.

ClinVar aggregate classification (germline): Uncertain significance. Review status: criteria provided, multiple submitters, no conflicts (2 of 4 stars). 3 submissions from 3 submitters: Uncertain significance (3). Last evaluated 2026-08-09.

Conditions:
Inborn genetic diseases. Identifiers: MedGen C0950123, MeSH D030342.
Mucopolysaccharidosis, MPS-III-A (MPS3A). Also called: HEPARAN SULFATE SULFATASE DEFICIENCY; SANFILIPPO SYNDROME A; SULFAMIDASE DEFICIENCY; MPS III A; MPS IIIA (Sanfilippo Syndrome Type A); Mucopolysaccharidosis type IIIA (Sanfilippo A). Identifiers: Orphanet 581, Orphanet 79269, MedGen C0086647, MONDO:0009655, OMIM 252900.
SGSH-related disorder. Also called: SGSH-related condition.

Allele frequency attached by ClinVar (database versions not stated): ExAC 0.00004.
gnomAD v4.1: 20 of 1,612,992 alleles (0.0012%); highest among the groups gnomAD compares: Admixed American, 0.018%; no homozygotes.

Submissions (3):

PreventionGenetics, part of Exact Sciences
Classification: Uncertain significance for SGSH-related condition. Last evaluated: 2026-08-09. Review status: criteria provided, single submitter. Criteria: ACMG Guidelines, 2015. Collection method: clinical testing. Allele origin: germline.
Comment: The SGSH c.398C>T variant is predicted to result in the amino acid substitution p.Pro133Leu. To our knowledge, this variant has not been reported in the literature. This variant is reported in 0.031% of alleles in individuals of Latino descent in gnomAD. At this time, the clinical significance of this variant is uncertain due to the absence of conclusive functional and genetic evidence.

Ambry Genetics
Classification: Uncertain significance for Inborn genetic diseases. Last evaluated: 2025-12-03. Review status: criteria provided, single submitter. Criteria: Ambry Variant Classification Scheme 2023. Collection method: clinical testing. Allele origin: germline.

Labcorp Genetics (formerly Invitae), Labcorp
Classification: Uncertain significance for Mucopolysaccharidosis, MPS-III-A. Last evaluated: 2024-01-15. Review status: criteria provided, single submitter. Criteria: Invitae Variant Classification Sherloc (09022015). Collection method: clinical testing. Allele origin: germline.
Comment: This sequence change replaces proline, which is neutral and non-polar, with leucine, which is neutral and non-polar, at codon 133 of the SGSH protein (p.Pro133Leu). This variant is present in population databases (rs781743238, gnomAD 0.03%). This variant has not been reported in the literature in individuals affected with SGSH-related conditions. ClinVar contains an entry for this variant (Variation ID: 1515985). Advanced modeling of protein sequence and biophysical properties (such as structural, functional, and spatial information, amino acid conservation, physicochemical variation, residue mobility, and thermodynamic stability) has been performed at Invitae for this missense variant, however the output from this modeling did not meet the statistical confidence thresholds required to predict the impact of this variant on SGSH protein function. In summary, the available evidence is currently insufficient to determine the role of this variant in disease. Therefore, it has been classified as a Variant of Uncertain Significance.